The following is an entry in ClinVar:

ClinVar aggregate classification (germline): Uncertain significance. Review status: criteria provided, multiple submitters, no conflicts (2 of 4 stars). 2 submissions from 2 submitters: Uncertain significance (2). Last evaluated 2025-09-06.

Conditions:
Hereditary cancer-predisposing syndrome. Also called: Hereditary neoplastic syndrome; Neoplastic Syndromes, Hereditary; Tumor predisposition; Hereditary Cancer Syndrome. Identifiers: Orphanet 140162, MedGen C0027672, MeSH D009386, MONDO:0015356.
Familial adenomatous polyposis 1 (FAP1). Also called: FAMILIAL ADENOMATOUS POLYPOSIS 1, ATTENUATED; POLYPOSIS, ADENOMATOUS INTESTINAL. Identifiers: MedGen C2713442, MONDO:0021056, OMIM 175100. Disease mechanism: loss of function.

Submissions (2):

Ambry Genetics
Classification: Uncertain significance for Hereditary cancer-predisposing syndrome. Last evaluated: 2025-09-06. Review status: criteria provided, single submitter. Criteria: Ambry Variant Classification Scheme 2023. Collection method: clinical testing. Allele origin: germline.
Comment: The p.E2415Q variant (also known as c.7243G>C), located in coding exon 15 of the APC gene, results from a G to C substitution at nucleotide position 7243. The glutamic acid at codon 2415 is replaced by glutamine, an amino acid with highly similar properties. This amino acid position is well conserved in available vertebrate species. In addition, in silico predictors for this gene do not accurately predict pathogenicity. Missense alterations in APC are not a common cause of disease (Spier I et al. Genet Med. 2024 Feb;26(2):100992). Based on the available evidence, the clinical significance of this variant remains unclear.

Labcorp Genetics (formerly Invitae), Labcorp
Classification: Uncertain significance for Familial adenomatous polyposis 1. Last evaluated: 2024-08-19. Review status: criteria provided, single submitter. Criteria: Invitae Variant Classification Sherloc (09022015). Collection method: clinical testing. Allele origin: germline.
Comment: This sequence change replaces glutamic acid, which is acidic and polar, with glutamine, which is neutral and polar, at codon 2415 of the APC protein (p.Glu2415Gln). This variant is not present in population databases (gnomAD no frequency). This variant has not been reported in the literature in individuals affected with APC-related conditions. ClinVar contains an entry for this variant (Variation ID: 947748). Invitae Evidence Modeling of protein sequence and biophysical properties (such as structural, functional, and spatial information, amino acid conservation, physicochemical variation, residue mobility, and thermodynamic stability) indicates that this missense variant is not expected to disrupt APC protein function with a negative predictive value of 95%. In summary, the available evidence is currently insufficient to determine the role of this variant in disease. Therefore, it has been classified as a Variant of Uncertain Significance.

NM_000038.6(APC):c.7243G>C (p.Glu2415Gln)

Gene: APC (APC regulator of Wnt signaling pathway; plus strand). Cytogenetic location: 5q22.2.
Variant type: single nucleotide variant.
Coding change: c.7243G>C on transcript NM_000038.6 (MANE Select); coding-DNA position 7243, G replaced by C.
Protein change: p.Glu2415Gln; replaces glutamic acid 2415 with glutamine.
Molecular consequence: missense variant.
Genome position (GRCh38, 1-based): chr5:112,842,837, G>C. VCF-style: chr5-112842837-G-C. GRCh37 (hg19) VCF-style: chr5-112178534-G-C.
Other names: c.7243G>C, p.Glu2415Gln (NM_001127510.3, NM_001354895.2); c.7189G>C, p.Glu2397Gln (NM_001127511.3); c.7297G>C, p.Glu2433Gln (NM_001354896.2); c.7273G>C, p.Glu2425Gln (NM_001354897.2); c.7168G>C, p.Glu2390Gln (NM_001354898.2); c.7159G>C, p.Glu2387Gln (NM_001354899.2); c.7120G>C, p.Glu2374Gln (NM_001354900.2); c.7066G>C, p.Glu2356Gln (NM_001354901.2); and 5 more; short protein forms E2255Q, E2374Q, E2132Q, E2289Q, E2314Q, E2415Q, E2425Q, E2324Q.
Identifiers: ClinVar variation 947748 (VCV000947748.12), dbSNP rs1766425645, ClinGen allele CA16037108.
Genomic context (GRCh38, chr5:112,842,837, plus strand): 5'-GAGTCTGCCTCCAAAGGACTAAATCAGATGAATAATGGTAATGGAGCCAATAAAAAGGTA[G>C]AACTTTCTAGAATGTCTTCAACTAAATCAAGTGGAAGTGAATCTGATAGATCAGAAAGAC-3'
Protein context (NP_000029.2, residues 2405-2425): NNGNGANKKV[Glu2415Gln]LSRMSSTKSS